The following is an entry in ClinVar:

ClinVar aggregate classification (germline): Uncertain significance (1 of 4 stars; one submission).

Conditions:
Autosomal dominant limb-girdle muscular dystrophy type 1F (LGMDD2). Also called: Limb-girdle muscular dystrophy, type 1F; MUSCULAR DYSTROPHY, LIMB-GIRDLE, AUTOSOMAL DOMINANT 2. Identifiers: Orphanet 55595, MedGen C1842062, MONDO:0012034, OMIM 608423.

Allele frequency attached by ClinVar (database versions not stated): gnomAD exomes below 0.00001 and 0.00001; ExAC 0.00001; gnomAD 0.00001.

Submission:

Labcorp Genetics (formerly Invitae), Labcorp
Classification: Uncertain significance for Autosomal dominant limb-girdle muscular dystrophy type 1F. Last evaluated: 2023-08-10. Review status: criteria provided, single submitter. Criteria: Invitae Variant Classification Sherloc (09022015). Collection method: clinical testing. Allele origin: germline.
Comment: This variant has not been reported in the literature in individuals affected with TNPO3-related conditions. The frequency data for this variant in the population databases is considered unreliable, as metrics indicate poor data quality at this position in the gnomAD database. This sequence change replaces arginine, which is basic and polar, with tryptophan, which is neutral and slightly polar, at codon 87 of the TNPO3 protein (p.Arg87Trp). ClinVar contains an entry for this variant (Variation ID: 952894). Advanced modeling of protein sequence and biophysical properties (such as structural, functional, and spatial information, amino acid conservation, physicochemical variation, residue mobility, and thermodynamic stability) performed at Invitae indicates that this missense variant is expected to disrupt TNPO3 protein function. In summary, the available evidence is currently insufficient to determine the role of this variant in disease. Therefore, it has been classified as a Variant of Uncertain Significance.

NM_012470.4(TNPO3):c.259C>T (p.Arg87Trp)

Gene: TNPO3 (transportin 3; minus strand). Cytogenetic location: 7q32.1.
Variant type: single nucleotide variant.
Coding change: c.259C>T on transcript NM_012470.4 (MANE Select); coding-DNA position 259, C replaced by T.
Protein change: p.Arg87Trp; replaces arginine 87 with tryptophan.
Molecular consequence: missense variant. On other transcripts: non-coding transcript variant (18).
Genome position (GRCh38, 1-based): chr7:129,018,019, G>A on the plus strand (C>T on the coding strand, the complement: TNPO3 is on the minus strand). VCF-style: chr7-129018019-G-A. GRCh37 (hg19) VCF-style: chr7-128658073-G-A.
Other names: c.259C>T, p.Arg87Trp (NM_001191028.3, NM_001382216.1, NM_001382217.1 and 6 more transcripts); short protein forms R87W.
Identifiers: ClinVar variation 952894 (VCV000952894.10), dbSNP rs760724185, ClinGen allele CA4478435.